The following is an entry in ClinVar:

ClinVar aggregate classification (germline): Uncertain significance (1 of 4 stars; one submission).

Conditions:
Cardiovascular phenotype. Identifiers: MedGen CN230736.

Allele frequency attached by ClinVar (database versions not stated): gnomAD exomes 0.00003.

Submission:

Ambry Genetics
Classification: Uncertain significance for Cardiovascular phenotype. Last evaluated: 2023-02-10. Review status: criteria provided, single submitter. Criteria: Ambry Variant Classification Scheme 2023. Collection method: clinical testing. Allele origin: germline.
Comment: The p.S34T variant (also known as c.100T>A), located in coding exon 1 of the FKRP gene, results from a T to A substitution at nucleotide position 100. The serine at codon 34 is replaced by threonine, an amino acid with similar properties. This amino acid position is conserved. In addition, this alteration is predicted to be tolerated by in silico analysis. Since supporting evidence is limited at this time, the clinical significance of this alteration remains unclear.

NM_024301.5(FKRP):c.100T>A (p.Ser34Thr)

Gene: FKRP (fukutin related protein; plus strand). Cytogenetic location: 19q13.32.
Variant type: single nucleotide variant.
Coding change: c.100T>A on transcript NM_024301.5 (MANE Select); coding-DNA position 100, T replaced by A.
Protein change: p.Ser34Thr; replaces serine 34 with threonine.
Molecular consequence: missense variant.
Genome position (GRCh38, 1-based): chr19:46,755,550, T>A. VCF-style: chr19-46755550-T-A. GRCh37 (hg19) VCF-style: chr19-47258807-T-A.
Other names: c.100T>A, p.Ser34Thr (NM_001039885.3); short protein forms S34T.
Identifiers: ClinVar variation 2452479 (VCV002452479.2), dbSNP rs2513984861, ClinGen allele CA406494668.